The following is an entry in ClinVar:

ClinVar aggregate classification (germline): Uncertain significance (1 of 4 stars; one submission).

Conditions:
Hereditary sensory and autonomic neuropathy type 6. Also called: Neuropathy, hereditary sensory and autonomic, type VI; HSAN VI. Identifiers: Orphanet 314381, MedGen C3539003, MONDO:0013839, OMIM 614653.
Epidermolysis bullosa simplex 3, localized or generalized intermediate, with BP230 deficiency (EBS3). Also called: Epidermolysis bullosa simplex due to BP230 deficiency; Epidermolysis bullosa simplex, autosomal recessive 2. Identifiers: Orphanet 412181, MedGen C3809470, MONDO:0014180, OMIM 615425.

Submission:

Labcorp Genetics (formerly Invitae), Labcorp
Classification: Uncertain significance for Epidermolysis bullosa simplex 3, localized or generalized intermediate, with BP230 deficiency; Hereditary sensory and autonomic neuropathy type 6. Last evaluated: 2023-04-14. Review status: criteria provided, single submitter. Criteria: Invitae Variant Classification Sherloc (09022015). Collection method: clinical testing. Allele origin: germline.
Comment: This sequence change replaces alanine, which is neutral and non-polar, with threonine, which is neutral and polar, at codon 1822 of the DST protein (p.Ala1822Thr). This variant is not present in population databases (gnomAD no frequency). This variant has not been reported in the literature in individuals affected with DST-related conditions. ClinVar contains an entry for this variant (Variation ID: 1970539). An algorithm developed to predict the effect of missense changes on protein structure and function (PolyPhen-2) suggests that this variant is likely to be tolerated. In summary, the available evidence is currently insufficient to determine the role of this variant in disease. Therefore, it has been classified as a Variant of Uncertain Significance.

NM_001723.7(DST):c.5464G>A (p.Ala1822Thr)

Gene: DST (dystonin; minus strand). Cytogenetic location: 6p12.1.
Variant type: single nucleotide variant.
Coding change: c.5464G>A on transcript NM_001723.7 (MANE Plus Clinical); coding-DNA position 5464, G replaced by A.
Protein change: p.Ala1822Thr; replaces alanine 1822 with threonine.
Molecular consequence: missense variant. On other transcripts: intron variant (10).
Genome position (GRCh38, 1-based): chr6:56,618,570, C>T on the plus strand (G>A on the coding strand, the complement: DST is on the minus strand). VCF-style: chr6-56618570-C-T. GRCh37 (hg19) VCF-style: chr6-56483368-C-T.
Other names: c.4930-4086G>A (NM_001374722.1, NM_001374736.1); c.4957-4086G>A (NM_001374734.1); c.4417-4086G>A (NM_001144770.2); c.4297-4086G>A (NM_001374730.1, NM_001386100.1, NM_183380.4 and 1 more transcripts); c.3319-4086G>A (NM_015548.5); c.4831-4086G>A (NM_001144769.5); short protein forms A1822T.
Identifiers: ClinVar variation 1970539 (VCV001970539.5), dbSNP rs2536681719, ClinGen allele CA364567312.